The following is an entry in ClinVar:

ClinVar aggregate classification (germline): Conflicting classifications of pathogenicity. Review status: criteria provided, conflicting classifications (1 of 4 stars). 4 submissions from 4 submitters: Uncertain significance (2); Likely benign (2). Last evaluated 2026-05-01.

Conditions:
Bethlem myopathy 1A. Also called: MYOPATHY, BENIGN CONGENITAL, WITH CONTRACTURES; Bethlem myopathy 1; Bethlem Muscular Dystrophy. Identifiers: Orphanet 610, MedGen CN029274, MONDO:0024530, OMIM 158810.

Allele frequency attached by ClinVar (database versions not stated): gnomAD 0.00007 and 0.00009; gnomAD exomes 0.00010 and 0.00016; ExAC 0.00014; TOPMed 0.00026.
gnomAD v4.1: 161 of 1,614,056 alleles (0.01%); highest among the groups gnomAD compares: Admixed American, 0.075%; no homozygotes.

Submissions (4):

CeGaT Center for Human Genetics Tuebingen
Classification: Likely benign. Last evaluated: 2026-05-01. Review status: criteria provided, single submitter. Criteria: CeGaT Center For Human Genetics Tuebingen Variant Classification Criteria Version 2. Collection method: clinical testing. Allele origin: germline. Affected: yes. Observed: 2 variant alleles.
Comment: COL6A3: BP4, BS2

Labcorp Genetics (formerly Invitae), Labcorp
Classification: Likely benign for Bethlem myopathy 1A. Last evaluated: 2026-01-02. Review status: criteria provided, single submitter. Criteria: Invitae Variant Classification Sherloc (09022015). Collection method: clinical testing. Allele origin: germline.

GeneDx
Classification: Uncertain significance. Last evaluated: 2025-04-29. Review status: criteria provided, single submitter. Criteria: GeneDx Variant Classification Process June 2021. Collection method: clinical testing. Allele origin: germline. Affected: yes.
Comment: In silico analysis supports that this missense variant has a deleterious effect on protein structure/function; Has not been previously published as pathogenic or benign to our knowledge

Revvity Omics, Revvity
Classification: Uncertain significance. Last evaluated: 2024-09-24. Review status: criteria provided, single submitter. Criteria: ACMG Guidelines, 2015. Collection method: clinical testing. Allele origin: germline.

NM_004369.4(COL6A3):c.5743C>T (p.Arg1915Trp)

Gene: COL6A3 (collagen type VI alpha 3 chain; minus strand). Cytogenetic location: 2q37.3.
Variant type: single nucleotide variant.
Coding change: c.5743C>T on transcript NM_004369.4 (MANE Select); coding-DNA position 5743, C replaced by T.
Protein change: p.Arg1915Trp; replaces arginine 1915 with tryptophan.
Molecular consequence: missense variant.
Genome position (GRCh38, 1-based): chr2:237,365,793, G>A on the plus strand (C>T on the coding strand, the complement: COL6A3 is on the minus strand). VCF-style: chr2-237365793-G-A. GRCh37 (hg19) VCF-style: chr2-238274436-G-A.
Other names: c.3922C>T, p.Arg1308Trp (NM_057166.5); c.5125C>T, p.Arg1709Trp (NM_057167.4); short protein forms R1915W, R1308W, R1709W.
Identifiers: ClinVar variation 374770 (VCV000374770.57), dbSNP rs201938007, ClinGen allele CA2188588.